The following is an entry in ClinVar:

ClinVar aggregate classification (germline): Uncertain significance (1 of 4 stars; one submission).

Conditions:
Combined immunodeficiency due to DOCK8 deficiency (HIES2). Also called: Hyper-IgE recurrent infection syndrome, autosomal recessive; HIES autosomal recessive; DOCK8 Deficiency; HYPER-IgE RECURRENT INFECTION SYNDROME 2, AUTOSOMAL RECESSIVE; HYPER-IgE SYNDROME 2, AUTOSOMAL RECESSIVE, WITH RECURRENT INFECTIONS. Identifiers: Orphanet 217390, MedGen C4722305, MONDO:0009478, OMIM 243700.

Allele frequency attached by ClinVar (database versions not stated): gnomAD exomes below 0.00001.
gnomAD v4.1: 1 of 1,611,990 alleles (0.000062%); highest among the groups gnomAD compares: Non-Finnish European, 0.000085%; no homozygotes.

Submission:

Labcorp Genetics (formerly Invitae), Labcorp
Classification: Uncertain significance for Combined immunodeficiency due to DOCK8 deficiency. Last evaluated: 2022-03-11. Review status: criteria provided, single submitter. Criteria: Invitae Variant Classification Sherloc (09022015). Collection method: clinical testing. Allele origin: germline.
Comment: Variants that disrupt the consensus splice site are a relatively common cause of aberrant splicing (PMID: 17576681, 9536098). Algorithms developed to predict the effect of sequence changes on RNA splicing suggest that this variant may disrupt the consensus splice site. This variant has not been reported in the literature in individuals affected with DOCK8-related conditions. This variant is present in population databases (no rsID available, gnomAD 0.0009%). This sequence change falls in intron 11 of the DOCK8 gene. It does not directly change the encoded amino acid sequence of the DOCK8 protein. It affects a nucleotide within the consensus splice site. In summary, the available evidence is currently insufficient to determine the role of this variant in disease. Therefore, it has been classified as a Variant of Uncertain Significance.

Literature cited by the submitters: PubMed 17576681; PubMed 9536098.

NM_203447.4(DOCK8):c.1285+4A>G

Gene: DOCK8 (dedicator of cytokinesis 8; plus strand). Cytogenetic location: 9p24.3.
Variant type: single nucleotide variant.
Coding change: c.1285+4A>G on transcript NM_203447.4 (MANE Select); 4 bases into the intron after coding-DNA position 1285, A replaced by G.
Molecular consequence: intron variant.
Genome position (GRCh38, 1-based): chr9:334,388, A>G. VCF-style: chr9-334388-A-G. GRCh37 (hg19) VCF-style: chr9-334388-A-G.
Other names: c.1081+4A>G (NM_001193536.2, NM_001190458.2).
Identifiers: ClinVar variation 1934253 (VCV001934253.5), dbSNP rs1323338723, ClinGen allele CA585866633.